The following is an entry in ClinVar:

ClinVar aggregate classification (germline): Uncertain significance. Review status: criteria provided, multiple submitters, no conflicts (2 of 4 stars). 7 submissions from 7 submitters: Uncertain significance (7). Last evaluated 2025-09-30.

Conditions:
Hereditary cancer-predisposing syndrome. Also called: Hereditary Cancer Syndrome; Neoplastic Syndromes, Hereditary; Tumor predisposition; Hereditary neoplastic syndrome. Identifiers: Orphanet 140162, MedGen C0027672, MeSH D009386, MONDO:0015356.
Fanconi anemia complementation group J. Also called: BRIP1-Related Fanconi Anemia. Identifiers: Orphanet 84, MedGen C1836860, MONDO:0012187, OMIM 609054.
Familial cancer of breast. Also called: Hereditary breast cancer; hereditary breast carcinoma; BREAST CANCER, FAMILIAL. Identifiers: Orphanet 227535, MedGen C0346153, MONDO:0016419, OMIM 114480. Disease mechanism: loss of function.

Allele frequency attached by ClinVar (database versions not stated): TOPMed 0.00002.
gnomAD v4.1: 21 of 1,612,458 alleles (0.0013%); highest among the groups gnomAD compares: Admixed American, 0.005%; no homozygotes.

Submissions (7):

Institute for Biomarker Research, Medical Diagnostic Laboratories, L.L.C.
Classification: Uncertain significance for Hereditary cancer-predisposing syndrome. Last evaluated: 2025-09-30. Review status: criteria provided, single submitter. Criteria: ACMG Guidelines, 2015. Collection method: clinical testing. Allele origin: germline.
Comment: The missense variant NM_032043.3(BRIP1):c.3412G>A (p.Asp1138Asn) has not been reported previously as a pathogenic variant nor as a benign variant, to our knowledge. There is a small physicochemical difference between aspartic acid and asparagine, which is not likely to impact secondary protein structure as these residues share similar properties. The p.Asp1138Asn missense variant is predicted to be damaging by both SIFT and PolyPhen2. The aspartic acid residue at codon 1138 of BRIP1 is conserved in all mammalian species. The nucleotide c.3412 in BRIP1 is predicted conserved by GERP++ and PhyloP across 100 vertebrates. For these reasons, this variant has been classified as Uncertain Significance.

Baylor Genetics
Classification: Uncertain significance for Familial cancer of breast. Last evaluated: 2024-01-30. Review status: criteria provided, single submitter. Criteria: ACMG Guidelines, 2015. Collection method: clinical testing. Allele origin: unknown.

GeneDx
Classification: Uncertain significance. Last evaluated: 2023-07-26. Review status: criteria provided, single submitter. Criteria: GeneDx Variant Classification Process June 2021. Collection method: clinical testing. Allele origin: germline. Affected: yes.
Comment: Not observed at significant frequency in large population cohorts (gnomAD); In silico analysis supports that this missense variant does not alter protein structure/function; Observed in a patient with breast cancer (Guindalini et al., 2022); This variant is associated with the following publications: (PMID: 20159562, 21127055, 35264596)

Ambry Genetics
Classification: Uncertain significance for Hereditary cancer-predisposing syndrome. Last evaluated: 2021-11-01. Review status: criteria provided, single submitter. Criteria: Ambry Variant Classification Scheme 2023. Collection method: clinical testing. Allele origin: germline.
Comment: The p.D1138N variant (also known as c.3412G>A), located in coding exon 19 of the BRIP1 gene, results from a G to A substitution at nucleotide position 3412. The aspartic acid at codon 1138 is replaced by asparagine, an amino acid with highly similar properties. This amino acid position is highly conserved in available vertebrate species. In addition, this alteration is predicted to be tolerated by in silico analysis. Since supporting evidence is limited at this time, the clinical significance of this alteration remains unclear.

Mendelics
Classification: Uncertain significance for Fanconi anemia, complementation group J. Last evaluated: 2018-07-02. Review status: criteria provided, single submitter. Criteria: Mendelics Assertion Criteria 2017. Collection method: clinical testing. Allele origin: unknown.

Labcorp Genetics (formerly Invitae), Labcorp
Classification: Uncertain significance for Familial cancer of breast; Fanconi anemia complementation group J. Last evaluated: 2016-08-30. Review status: criteria provided, single submitter. Criteria: Invitae Variant Classification Sherloc (09022015). Collection method: clinical testing. Allele origin: germline.
Comment: This sequence change replaces aspartic acid with asparagine at codon 1138 of the BRIP1 protein (p.Asp1138Asn). The aspartic acid residue is moderately conserved and there is a small physicochemical difference between aspartic acid and asparagine. This variant is present in population databases (ExAC, <0.01%) but has not been reported in the literature in individuals with a BRIP1-related disease. Algorithms developed to predict the effect of missense changes on protein structure and function do not agree on the potential impact of this missense change (SIFT: "Deleterious"; PolyPhen-2: "Probably Damaging "; Align-GVGD: "Class C0"). In summary, this is a rare missense change with uncertain impact on protein function. There is no indication that this variant causes disease, but the evidence is insufficient at this time to prove that conclusively. Therefore, it has been classified as a Variant of Uncertain Significance.

Women's Health and Genetics/Laboratory Corporation of America, LabCorp
Classification: Uncertain significance. Last evaluated: 2016-07-15. Review status: criteria provided, single submitter. Criteria: LabCorp Variant Classification Summary - May 2015. Collection method: clinical testing. Allele origin: germline.
Comment: Variant summary: The BRIP1 c.3412G>A (p.Asp1138Asn) variant involves the alteration of a conserved nucleotide. 3/5 in silico tools predict a benign outcome. 4/5 splice prediction tools predict no significant impact on normal splicing. However, these predictions have yet to be confirmed by functional studies. This variant was found in 1/120914 control chromosomes, which does not rule out the pathogenicity of this variant. The variant of interest has not, to our knowledge, been reported in affected individuals via publications; nor evaluated for functional impact by in vivo/vitro studies. In addition, one clinical diagnostic laboratory classified this variant as VUS. Because of the absence of clinical information and the lack of functional studies, the variant was classified as a variant of uncertain significance (VUS) until additional information becomes available.

NM_032043.3(BRIP1):c.3412G>A (p.Asp1138Asn)

Gene: BRIP1 (BRCA1 interacting DNA helicase 1; minus strand). Cytogenetic location: 17q23.2.
Variant type: single nucleotide variant.
Coding change: c.3412G>A on transcript NM_032043.3 (MANE Select); coding-DNA position 3412, G replaced by A.
Protein change: p.Asp1138Asn; replaces aspartic acid 1138 with asparagine.
Molecular consequence: missense variant.
Genome position (GRCh38, 1-based): chr17:61,683,634, C>T on the plus strand (G>A on the coding strand, the complement: BRIP1 is on the minus strand). VCF-style: chr17-61683634-C-T. GRCh37 (hg19) VCF-style: chr17-59760995-C-T.
Other names: short protein forms D1138N.
Identifiers: ClinVar variation 232616 (VCV000232616.12), dbSNP rs587780249, ClinGen allele CA8690365.
Genomic context (GRCh38, chr17:61,683,634, plus strand): 5'-ATCTATTTCCTCTATCAGTTTCAGCTAGGTCATTTTTTTCTTCATCTGTATCTTCAGGAT[C>T]ATAAAGTTCAGGTGTAAAATAGATAGATTCATCTTCTGCTTCTGTTTCAAAATCTCTATT-3'
Protein context (NP_114432.2, residues 1128-1148): ESIYFTPELY[Asp1138Asn]PEDTDEEKND